The following is an entry in ClinVar:

ClinVar aggregate classification (germline): Uncertain significance. Review status: criteria provided, multiple submitters, no conflicts (2 of 4 stars). 2 submissions from 2 submitters: Uncertain significance (2). Last evaluated 2025-08-09.

Conditions:
PHGDH deficiency. Identifiers: Orphanet 79351, MedGen C1866174, MONDO:0011152, OMIM 601815.

Allele frequency attached by ClinVar (database versions not stated): TOPMed below 0.00001.

Submissions (2):

GeneDx
Classification: Uncertain significance. Last evaluated: 2025-08-09. Review status: criteria provided, single submitter. Criteria: GeneDx Variant Classification Process June 2021. Collection method: clinical testing. Allele origin: germline. Affected: yes.
Comment: Has not been previously published as pathogenic or benign to our knowledge; Not observed at significant frequency in large population cohorts (gnomAD); In silico analysis supports that this missense variant has a deleterious effect on protein structure/function

Labcorp Genetics (formerly Invitae), Labcorp
Classification: Uncertain significance for PHGDH deficiency. Last evaluated: 2021-08-30. Review status: criteria provided, single submitter. Criteria: Invitae Variant Classification Sherloc (09022015). Collection method: clinical testing. Allele origin: germline.
Comment: This sequence change replaces arginine with proline at codon 7 of the PHGDH protein (p.Arg7Pro). The arginine residue is weakly conserved and there is a moderate physicochemical difference between arginine and proline. This variant is not present in population databases (ExAC no frequency). This variant has not been reported in the literature in individuals affected with PHGDH-related conditions. Algorithms developed to predict the effect of missense changes on protein structure and function (SIFT, PolyPhen-2, Align-GVGD) all suggest that this variant is likely to be tolerated. In summary, the available evidence is currently insufficient to determine the role of this variant in disease. Therefore, it has been classified as a Variant of Uncertain Significance.

NM_006623.4(PHGDH):c.20G>C (p.Arg7Pro)

Gene: PHGDH (phosphoglycerate dehydrogenase; plus strand). Cytogenetic location: 1p12.
Variant type: single nucleotide variant.
Coding change: c.20G>C on transcript NM_006623.4 (MANE Select); coding-DNA position 20, G replaced by C.
Protein change: p.Arg7Pro; replaces arginine 7 with proline.
Molecular consequence: missense variant.
Genome position (GRCh38, 1-based): chr1:119,712,042, G>C. VCF-style: chr1-119712042-G-C. GRCh37 (hg19) VCF-style: chr1-120254665-G-C.
Other names: c.20G>C (NM_006623.3); short protein forms R7P.
Identifiers: ClinVar variation 1494191 (VCV001494191.6), dbSNP rs1650717022, ClinGen allele CA341414728.